The following is an entry in ClinVar:

NM_001005273.3(CHD3):c.518T>C (p.Ile173Thr)

Gene: CHD3 (chromodomain helicase DNA binding protein 3; plus strand). Cytogenetic location: 17p13.1.
Variant type: single nucleotide variant.
Coding change: c.518T>C on transcript NM_001005273.3 (MANE Select); coding-DNA position 518, T replaced by C.
Protein change: p.Ile173Thr; replaces isoleucine 173 with threonine.
Molecular consequence: missense variant.
Genome position (GRCh38, 1-based): chr17:7,893,294, T>C. VCF-style: chr17-7893294-T-C. GRCh37 (hg19) VCF-style: chr17-7796612-T-C.
Other names: c.695T>C, p.Ile232Thr (NM_001005271.3, NM_001437504.1, NM_001437507.1 and 2 more transcripts); c.518T>C, p.Ile173Thr (NM_005852.4); short protein forms I173T, I232T.
Identifiers: ClinVar variation 4886001 (VCV004886001.2).

ClinVar aggregate classification (germline): Uncertain significance (1 of 4 stars; one submission).

Submission:

Dasa
Classification: Uncertain significance. Last evaluated: 2025-12-11. Review status: criteria provided, single submitter. Criteria: DASA Assertion Criteria. Collection method: clinical testing. Allele origin: germline.
Comment: NM_001005273.3(CHD3):c.518T>C (p.Ile173Thr) is a missense variant that results in the substitution of isoleucine with threonine. This variant is rare in population databases. Computational prediction algorithms are consistent with a deleterious effect. The currently available literature and clinical evidence are not sufficient to establish a definitive association between this variant and the reported condition. Therefore, this variant is classified as a variant of uncertain significance.